The following is an entry in ClinVar:

ClinVar aggregate classification (germline): Likely benign. Review status: criteria provided, multiple submitters, no conflicts (2 of 4 stars). 2 submissions from 2 submitters: Likely benign (2). Last evaluated 2025-08-02.

Conditions:
Charcot-Marie-Tooth disease type 2. Also called: Charcot-Marie-Tooth type 2. Identifiers: Orphanet 64746, MedGen C0270914, MONDO:0018993.

Allele frequency attached by ClinVar (database versions not stated): gnomAD 0.00002; gnomAD exomes below 0.00001; ExAC 0.00001; TOPMed 0.00002.
gnomAD v4.1: 4 of 1,614,048 alleles (0.00025%); highest among the groups gnomAD compares: African/African-American, 0.004%; no homozygotes.

Submissions (2):

Labcorp Genetics (formerly Invitae), Labcorp
Classification: Likely benign for Charcot-Marie-Tooth disease type 2. Last evaluated: 2025-08-02. Review status: criteria provided, single submitter. Criteria: Invitae Variant Classification Sherloc (09022015). Collection method: clinical testing. Allele origin: germline.

GeneDx
Classification: Likely benign. Last evaluated: 2016-07-28. Review status: criteria provided, single submitter. Criteria: GeneDx Variant Classification (06012015). Collection method: clinical testing. Allele origin: germline. Affected: yes.
Comment: This variant is considered likely benign or benign based on one or more of the following criteria: it is a conservative change, it occurs at a poorly conserved position in the protein, it is predicted to be benign by multiple in silico algorithms, and/or has population frequency not consistent with disease.

NM_014874.4(MFN2):c.311+9T>C

Gene: MFN2 (mitofusin 2; plus strand). Cytogenetic location: 1p36.22.
Variant type: single nucleotide variant.
Coding change: c.311+9T>C on transcript NM_014874.4 (MANE Select); 9 bases into the intron after coding-DNA position 311, T replaced by C.
Molecular consequence: intron variant.
Genome position (GRCh38, 1-based): chr1:11,992,699, T>C. VCF-style: chr1-11992699-T-C. GRCh37 (hg19) VCF-style: chr1-12052756-T-C.
Other names: c.311+9T>C (NM_001127660.2).
Identifiers: ClinVar variation 388108 (VCV000388108.8), dbSNP rs771439230, ClinGen allele CA598792.